The following is an entry in ClinVar:

NM_000388.4(CASR):c.866C>T (p.Thr289Met)

Gene: CASR (calcium sensing receptor; plus strand). Cytogenetic location: 3q21.1.
Variant type: single nucleotide variant.
Coding change: c.866C>T on transcript NM_000388.4 (MANE Select); coding-DNA position 866, C replaced by T.
Protein change: p.Thr289Met; replaces threonine 289 with methionine.
Molecular consequence: missense variant.
Genome position (GRCh38, 1-based): chr3:122,261,901, C>T. VCF-style: chr3-122261901-C-T. GRCh37 (hg19) VCF-style: chr3-121980748-C-T.
Other names: c.866C>T, p.Thr289Met (NM_001178065.2); short protein forms T289M.
Identifiers: ClinVar variation 1018057 (VCV001018057.11), dbSNP rs755840531, ClinGen allele CA2569548.

ClinVar aggregate classification (germline): Uncertain significance. Review status: criteria provided, multiple submitters, no conflicts (2 of 4 stars). 2 submissions from 2 submitters: Uncertain significance (2). Last evaluated 2023-01-26.

Conditions:
Autosomal dominant hypocalcemia 1 (HYPOC1). Also called: HYPOCALCEMIA, FAMILIAL. Identifiers: MedGen C3715128, MONDO:0011013, OMIM 601198.
Familial hypocalciuric hypercalcemia (FHH). Also called: Familial benign hypercalcemia. Identifiers: Orphanet 405, MedGen C1809471, MONDO:0018458.
Nephrolithiasis/nephrocalcinosis. Identifiers: MedGen CN580796.

Allele frequency attached by ClinVar (database versions not stated): ExAC 0.00001; gnomAD exomes 0.00001.
gnomAD v4.1: 9 of 1,614,210 alleles (0.00056%); highest among the groups gnomAD compares: South Asian, 0.0044%; no homozygotes.

Submissions (2):

Labcorp Genetics (formerly Invitae), Labcorp
Classification: Uncertain significance for Familial hypocalciuric hypercalcemia; Autosomal dominant hypocalcemia 1. Last evaluated: 2023-01-26. Review status: criteria provided, single submitter. Criteria: Invitae Variant Classification Sherloc (09022015). Collection method: clinical testing. Allele origin: germline.
Comment: In summary, the available evidence is currently insufficient to determine the role of this variant in disease. Therefore, it has been classified as a Variant of Uncertain Significance. Algorithms developed to predict the effect of missense changes on protein structure and function (SIFT, PolyPhen-2, Align-GVGD) all suggest that this variant is likely to be disruptive. ClinVar contains an entry for this variant (Variation ID: 1018057). This variant has not been reported in the literature in individuals affected with CASR-related conditions. This variant is present in population databases (rs755840531, gnomAD 0.003%). This sequence change replaces threonine, which is neutral and polar, with methionine, which is neutral and non-polar, at codon 289 of the CASR protein (p.Thr289Met).

Ambry Genetics
Classification: Uncertain significance for Nephrolithiasis/nephrocalcinosis. Last evaluated: 2022-08-04. Review status: criteria provided, single submitter. Criteria: Ambry Variant Classification Scheme 2023. Collection method: clinical testing. Allele origin: germline.
Comment: The p.T289M variant (also known as c.866C>T), located in coding exon 3 of the CASR gene, results from a C to T substitution at nucleotide position 866. The threonine at codon 289 is replaced by methionine, an amino acid with similar properties. This amino acid position is conserved. In addition, this alteration is predicted to be deleterious by in silico analysis. Since supporting evidence is limited at this time, the clinical significance of this alteration remains unclear.